The following is an entry in ClinVar:

NM_001370259.2(MEN1):c.904T>A (p.Tyr302Asn)

Gene: MEN1 (menin 1; minus strand). Cytogenetic location: 11q13.1.
Variant type: single nucleotide variant.
Coding change: c.904T>A on transcript NM_001370259.2 (MANE Select); coding-DNA position 904, T replaced by A.
Protein change: p.Tyr302Asn; replaces tyrosine 302 with asparagine.
Molecular consequence: missense variant. On other transcripts: non-coding transcript variant (4).
Genome position (GRCh38, 1-based): chr11:64,807,019, A>T on the plus strand (T>A on the coding strand, the complement: MEN1 is on the minus strand). VCF-style: chr11-64807019-A-T. GRCh37 (hg19) VCF-style: chr11-64574491-A-T.
Other names: c.919T>A, p.Tyr307Asn (NM_000244.4, NM_001407145.1, NM_001407150.1 and 5 more transcripts); c.904T>A, p.Tyr302Asn (NM_001370251.2, NM_001370260.2, NM_001370261.2 and 7 more transcripts); c.799T>A, p.Tyr267Asn (NM_001370262.2, NM_001370263.2, NM_001407148.1 and 2 more transcripts); short protein forms Y267N, Y302N, Y307N.
Identifiers: ClinVar variation 3229114 (VCV003229114.1), dbSNP rs2497186179, ClinGen allele CA381183497.

ClinVar aggregate classification (germline): Uncertain significance (1 of 4 stars; one submission).

Conditions:
Hereditary cancer-predisposing syndrome. Also called: Neoplastic Syndromes, Hereditary; Tumor predisposition; Hereditary neoplastic syndrome; Hereditary Cancer Syndrome. Identifiers: Orphanet 140162, MedGen C0027672, MeSH D009386, MONDO:0015356.

Submission:

Ambry Genetics
Classification: Uncertain significance for Hereditary cancer-predisposing syndrome. Last evaluated: 2023-12-13. Review status: criteria provided, single submitter. Criteria: Ambry Variant Classification Scheme 2023. Collection method: clinical testing. Allele origin: germline.
Comment: The p.Y302N variant (also known as c.904T>A), located in coding exon 5 of the MEN1 gene, results from a T to A substitution at nucleotide position 904. The tyrosine at codon 302 is replaced by asparagine, an amino acid with dissimilar properties. This amino acid position is conserved. In addition, this alteration is predicted to be deleterious by in silico analysis. Since supporting evidence is limited at this time, the clinical significance of this alteration remains unclear.